The following is an entry in ClinVar:

ClinVar aggregate classification (germline): Uncertain significance (1 of 4 stars; one submission).

Conditions:
Nephronophthisis 18 (NPHP18). Identifiers: Orphanet 655, MedGen C3890591, MONDO:0014374, OMIM 615862.

Allele frequency attached by ClinVar (database versions not stated): TOPMed below 0.00001; gnomAD exomes 0.00001.
gnomAD v4.1: 9 of 1,613,014 alleles (0.00056%); highest among the groups gnomAD compares: African/African-American, 0.0013%; no homozygotes.

Submission:

Labcorp Genetics (formerly Invitae), Labcorp
Classification: Uncertain significance for Nephronophthisis 18. Last evaluated: 2022-07-14. Review status: criteria provided, single submitter. Criteria: Invitae Variant Classification Sherloc (09022015). Collection method: clinical testing. Allele origin: germline.
Comment: This sequence change replaces tryptophan, which is neutral and slightly polar, with leucine, which is neutral and non-polar, at codon 535 of the CEP83 protein (p.Trp535Leu). This variant is not present in population databases (gnomAD no frequency). This variant has not been reported in the literature in individuals affected with CEP83-related conditions. Algorithms developed to predict the effect of missense changes on protein structure and function are either unavailable or do not agree on the potential impact of this missense change (SIFT: "Not Available"; PolyPhen-2: "Probably Damaging"; Align-GVGD: "Not Available"). In summary, the available evidence is currently insufficient to determine the role of this variant in disease. Therefore, it has been classified as a Variant of Uncertain Significance.

NM_016122.3(CEP83):c.1604G>T (p.Trp535Leu)

Gene: CEP83 (centrosomal protein 83; minus strand). Cytogenetic location: 12q22.
Variant type: single nucleotide variant.
Coding change: c.1604G>T on transcript NM_016122.3 (MANE Select); coding-DNA position 1604, G replaced by T.
Protein change: p.Trp535Leu; replaces tryptophan 535 with leucine.
Molecular consequence: missense variant. On other transcripts: non-coding transcript variant (2).
Genome position (GRCh38, 1-based): chr12:94,331,803, C>A on the plus strand (G>T on the coding strand, the complement: CEP83 is on the minus strand). VCF-style: chr12-94331803-C-A. GRCh37 (hg19) VCF-style: chr12-94725579-C-A.
Other names: c.1604G>T, p.Trp535Leu (NM_001042399.2, NM_001346457.2, NM_001368037.1 and 1 more transcripts); c.1292G>T, p.Trp431Leu (NM_001346458.2, NM_001346459.2, NM_001368039.1 and 1 more transcripts); c.1379G>T, p.Trp460Leu (NM_001368041.1); short protein forms W431L, W460L, W535L.
Identifiers: ClinVar variation 1950309 (VCV001950309.2), dbSNP rs1593201543, ClinGen allele CA386143716.